The following is an entry in ClinVar:

ClinVar aggregate classification (germline): Uncertain significance (1 of 4 stars; one submission).

Conditions:
Melanoma, cutaneous malignant, susceptibility to, 5. Also called: Cutaneous malignant melanoma 5. Identifiers: Orphanet 618, MedGen C2751295, MONDO:0013133, OMIM 613099.

Submission:

Labcorp Genetics (formerly Invitae), Labcorp
Classification: Uncertain significance for Melanoma, cutaneous malignant, susceptibility to, 5. Last evaluated: 2025-07-13. Review status: criteria provided, single submitter. Criteria: Invitae Variant Classification Sherloc (09022015). Collection method: clinical testing. Allele origin: germline.
Comment: This variant, c.920_922del, results in the deletion of 1 amino acid(s) of the MC1R protein (p.Arg307del), but otherwise preserves the integrity of the reading frame. This variant is not present in population databases (gnomAD no frequency). This variant has not been reported in the literature in individuals affected with MC1R-related conditions. Experimental studies and prediction algorithms are not available or were not evaluated, and the functional significance of this variant is currently unknown. In summary, the available evidence is currently insufficient to determine the role of this variant in disease. Therefore, it has been classified as a Variant of Uncertain Significance.

NM_002386.4(MC1R):c.920_922del (p.Arg307del)

Gene: MC1R (melanocortin 1 receptor; plus strand). Cytogenetic location: 16q24.3.
Variant type: Deletion.
Coding change: c.920_922del on transcript NM_002386.4 (MANE Select); coding-DNA positions 920 to 922, 3 bases deleted (GGA; older notation c.920_922delGGA).
Protein change: p.Arg307del; deletes arginine 307.
Molecular consequence: inframe deletion.
Genome position (GRCh38, 1-based): chr16:89,920,178-89,920,180, GGA deleted; deleting any 3 consecutive bases within chr16:89,920,177-89,920,180 gives the same sequence; the c. name uses the placement nearest the transcript's 3' end. VCF-style (leftmost placement, unchanged base first): chr16-89920176-CAGG-C. GRCh37 (hg19) VCF-style: chr16-89986584-CAGG-C.
Other names: short protein forms R307del.
Identifiers: ClinVar variation 4743496 (VCV004743496.1).
Genomic context (GRCh38, chr16:89,920,176, plus strand): 5'-CATCATCTGCAATGCCATCATCGACCCCCTCATCTACGCCTTCCACAGCCAGGAGCTCCG[CAGG>C]ACGCTCAAGGAGGTGCTGACATGCTCCTGGTGAGCGCGGTGCACGCGGCTTTAAGTGTGC-3'